The following is an entry in ClinVar:

NM_000202.8(IDS):c.1267C>T (p.Pro423Ser)

Gene: IDS (iduronate 2-sulfatase; minus strand). Cytogenetic location: Xq28.
Variant type: single nucleotide variant.
Coding change: c.1267C>T on transcript NM_000202.8 (MANE Select); coding-DNA position 1267, C replaced by T.
Protein change: p.Pro423Ser; replaces proline 423 with serine.
Molecular consequence: missense variant.
Genome position (GRCh38, 1-based): chrX:149,483,132, G>A on the plus strand (C>T on the coding strand, the complement: IDS is on the minus strand). VCF-style: chrX-149483132-G-A. GRCh37 (hg19) VCF-style: chrX-148564663-G-A.
Other names: c.997C>T, p.Pro333Ser (NM_001166550.4); short protein forms P333S, P423S.
Identifiers: ClinVar variation 3256004 (VCV003256004.2).

ClinVar aggregate classification (germline): Likely pathogenic (1 of 4 stars; one submission).

Conditions:
Mucopolysaccharidosis, MPS-II (MPS2). Also called: Hunter Syndrome; IDURONATE 2-SULFATASE DEFICIENCY; Mucopolysaccharidosis Type II; Mucopolysaccharidosis type 2; Attenuated MPS (subtype; formerly known as mild MPS II); Severe MPS II. Identifiers: Orphanet 580, Orphanet 79388, MedGen C0026705, MONDO:0010674, OMIM 309900.

Submission:

Laboratory of Diagnosis and Therapy of Lysosomal Disorders, University of Padova
Classification: Likely pathogenic for Mucopolysaccharidosis, MPS-II. Last evaluated: 2024-06-07. Review status: criteria provided, single submitter. Criteria: ACMG Guidelines, 2015. Collection method: literature only. Allele origin: germline. Affected: yes. Observed: 1 variant allele.
Comment: Absent from controls (or at low frequency) in gnomAD database (PM2_Moderate), Missense variant in a gene with a low rate of benign missense variation (PP2_Supporting), Patient’s phenotype or family history highly specific for the disease (PP4_Strong)

Classification method: ACMG Guidelines [PMID:25741868] with modifications

Literature cited by the submitters: PubMed 21829674.